The following is an entry in ClinVar:

NM_000180.4(GUCY2D):c.838A>G (p.Thr280Ala)

Gene: GUCY2D (guanylate cyclase 2D, retinal; plus strand). Cytogenetic location: 17p13.1.
Variant type: single nucleotide variant.
Coding change: c.838A>G on transcript NM_000180.4 (MANE Select); coding-DNA position 838, A replaced by G.
Protein change: p.Thr280Ala; replaces threonine 280 with alanine.
Molecular consequence: missense variant.
Genome position (GRCh38, 1-based): chr17:8,003,968, A>G. VCF-style: chr17-8003968-A-G. GRCh37 (hg19) VCF-style: chr17-7907286-A-G.
Other names: short protein forms T280A.
Identifiers: ClinVar variation 2099680 (VCV002099680.4), dbSNP rs1186240682, ClinGen allele CA397945561.

ClinVar aggregate classification (germline): Uncertain significance (1 of 4 stars; one submission).

Conditions:
Cone-rod dystrophy 6 (CORD6). Also called: Cone dystrophy progressive; RETINAL CONE DYSTROPHY 2. Identifiers: Orphanet 1872, MedGen C1866293, MONDO:0011143, OMIM 601777.
Leber congenital amaurosis 1 (LCA1). Also called: Congenital absence of the rods and cones; Leber's congenital tapetoretinal degeneration; Leber's congenital tapetoretinal dysplasia; RETINAL BLINDNESS, CONGENITAL; AMAUROSIS CONGENITA OF LEBER I. Identifiers: Orphanet 65, MedGen C2931258, MONDO:0008764, OMIM 204000.

gnomAD v4.1: 2 of 1,613,606 alleles (0.00012%); highest among the groups gnomAD compares: Non-Finnish European, 0.00017%; no homozygotes.

Submission:

Labcorp Genetics (formerly Invitae), Labcorp
Classification: Uncertain significance for Leber congenital amaurosis 1; Cone-rod dystrophy 6. Last evaluated: 2022-08-25. Review status: criteria provided, single submitter. Criteria: Invitae Variant Classification Sherloc (09022015). Collection method: clinical testing. Allele origin: germline.
Comment: This variant has not been reported in the literature in individuals affected with GUCY2D-related conditions. This variant is not present in population databases (gnomAD no frequency). This sequence change replaces threonine, which is neutral and polar, with alanine, which is neutral and non-polar, at codon 280 of the GUCY2D protein (p.Thr280Ala). Algorithms developed to predict the effect of missense changes on protein structure and function are either unavailable or do not agree on the potential impact of this missense change (SIFT: "Deleterious"; PolyPhen-2: "Benign"; Align-GVGD: "Class C55"). In summary, the available evidence is currently insufficient to determine the role of this variant in disease. Therefore, it has been classified as a Variant of Uncertain Significance.